The following is an entry in ClinVar:

ClinVar aggregate classification (germline): Pathogenic (1 of 4 stars; one submission).

Submission:

GeneDx
Classification: Pathogenic. Last evaluated: 2019-09-09. Review status: criteria provided, single submitter. Criteria: GeneDx Variant Classification Process June 2021. Collection method: clinical testing. Allele origin: germline. Affected: yes.
Comment: Has not been previously published as pathogenic or benign to our knowledge; Not observed in large population cohorts (Lek et al., 2016); Frameshift variant in the C-terminus predicted to result in protein truncation, as the last 92 amino acids are lost and replaced with 50 incorrect amino acids, and with additional frameshift variants reported downstream (Stenson et al., 2014)

NM_000238.4(KCNH2):c.3200dup (p.Gln1068fs)

Gene: KCNH2 (potassium voltage-gated channel subfamily H member 2; minus strand). Cytogenetic location: 7q36.1.
Variant type: Duplication.
Coding change: c.3200dup on transcript NM_000238.4 (MANE Select); coding-DNA position 3200, one base duplicated (T; older notation c.3200dupT).
Protein change: p.Gln1068fs; shifts the reading frame from glutamine 1068.
Molecular consequence: frameshift variant.
Genome position (GRCh38, 1-based): chr7:150,947,007, A duplicated on the plus strand (T on the coding strand, the reverse complement: KCNH2 is on the minus strand). VCF-style (leftmost placement, unchanged base first): chr7-150947006-T-TA. GRCh37 (hg19) VCF-style: chr7-150644094-T-TA.
Other names: c.3200dupT (NM_000238.2); c.2180dup, p.Gln728fs (NM_172057.3); short protein forms Q1068fs, Q728fs.
Identifiers: ClinVar variation 372942 (VCV000372942.4), dbSNP rs1057518089, ClinGen allele CA16042588.
Genomic context (GRCh38, chr7:150,947,006, plus strand): 5'-GCCAGGCCCCGGGGTGGTCACAGCACTGTAGGCGGGCGGGACCAGCGTCATCTGCCTCTG[T>TA]AGCAGCTGCAGGACAGTGGCCATGTCTGCACTCAGCCGGGTCTCCAGCCTGGGGCAGGAA-3'